The following is an entry in ClinVar:

ClinVar aggregate classification (germline): Uncertain significance (1 of 4 stars; one submission).

Allele frequency attached by ClinVar (database versions not stated): ExAC 0.00001.

Submission:

Women's Health and Genetics/Laboratory Corporation of America, LabCorp
Classification: Uncertain significance. Last evaluated: 2025-07-25. Review status: criteria provided, single submitter. Criteria: LabCorp Variant Classification Summary - May 2015. Collection method: clinical testing. Allele origin: germline.
Comment: Variant summary: VPS53 c.1787+1G>A is located in a canonical splice-site and is predicted to affect mRNA splicing resulting in a significantly altered protein due to either exon skipping, shortening, or inclusion of intronic material. Variants that disrupt the consensus splice site are a relatively common cause of aberrant splicing, however current evidence is not sufficient to establish loss of function as a mechanism for disease. Several computational tools predict a significant impact on normal splicing: Four predict the variant abolishes a canonical 5' splicing donor site. However, these predictions have yet to be confirmed by functional studies. The variant allele was found at a frequency of 1.6e-05 in 251364 control chromosomes (gnomAD). The available data on variant occurrences in the general population are insufficient to allow any conclusion about variant significance. c.1787+1G>A has been observed in an individual affected with Cerebral palsy (Wang_2024). This report does not provide unequivocal conclusions about association of the variant with Pontocerebellar Hypoplasia, Type 2E. To our knowledge, no experimental evidence demonstrating an impact on protein function has been reported. The following publication has been ascertained in the context of this evaluation (PMID: 38693247). ClinVar contains an entry for this variant (Variation ID: 1723295). Based on the evidence outlined above, the variant was classified as uncertain significance.

Literature cited by the submitters: PubMed 38693247.

NM_001128159.3(VPS53):c.1787+1G>A

Gene: VPS53 (VPS53 subunit of GARP complex; minus strand). Cytogenetic location: 17p13.3.
Variant type: single nucleotide variant.
Coding change: c.1787+1G>A on transcript NM_001128159.3 (MANE Select); the canonical splice donor site of the intron after coding-DNA position 1787, G replaced by A.
Molecular consequence: splice donor variant.
Genome position (GRCh38, 1-based): chr17:553,379, C>T on the plus strand (G>A on the coding strand, the complement: VPS53 is on the minus strand). VCF-style: chr17-553379-C-T. GRCh37 (hg19) VCF-style: chr17-456619-C-T.
Other names: c.1700+1G>A (NM_018289.4); c.1787+1G>A (NM_001366253.2); c.1193+1G>A (NM_001366254.2).
Identifiers: ClinVar variation 1723295 (VCV001723295.2), dbSNP rs776733428, ClinGen allele CA8261303.
Genomic context (GRCh38, chr17:553,379, plus strand): 5'-TGCACGCTGCTGTGTAGTGGAGAAAGGGCAGGCAGCCAGTAAGTGTGTGCAGGGTACATA[C>T]GTGCTGAACGTGTCCATCTCTCCAGTCAGATTGATTCGTTCAATCAGACTTACATCCACT-3'